The following is an entry in ClinVar:

ClinVar aggregate classification (germline): Uncertain significance. Review status: criteria provided, multiple submitters, no conflicts (2 of 4 stars). 3 submissions from 3 submitters: Uncertain significance (3). Last evaluated 2022-05-04.

Conditions:
Inborn genetic diseases. Identifiers: MedGen C0950123, MeSH D030342.
Autosomal recessive distal spinal muscular atrophy 1. Also called: HMN VI; NEURONOPATHY, SEVERE INFANTILE AXONAL, WITH RESPIRATORY FAILURE; Spinal muscular atrophy with respiratory distress 1; SEVERE INFANTILE AXONAL NEUROPATHY WITH RESPIRATORY FAILURE; SPINAL MUSCULAR ATROPHY, DIAPHRAGMATIC; NEURONOPATHY, DISTAL HEREDITARY MOTOR, HARDING TYPE VI. Identifiers: Orphanet 98920, MedGen C1858517, MONDO:0011436, OMIM 604320.
Charcot-Marie-Tooth disease axonal type 2S. Also called: CHARCOT-MARIE-TOOTH NEUROPATHY, TYPE 2S; CHARCOT-MARIE-TOOTH DISEASE, AXONAL, AUTOSOMAL RECESSIVE, TYPE 2S. Identifiers: Orphanet 443073, MedGen C4015349, MONDO:0014511, OMIM 616155.

Allele frequency attached by ClinVar (database versions not stated): gnomAD 0.00001; TOPMed 0.00001; ExAC 0.00002; gnomAD exomes 0.00003.
gnomAD v4.1: 21 of 1,614,028 alleles (0.0013%); highest among the groups gnomAD compares: Non-Finnish European, 0.0017%; 1 homozygote.

Submissions (3):

Ambry Genetics
Classification: Uncertain significance for Inborn genetic diseases. Last evaluated: 2022-05-04. Review status: criteria provided, single submitter. Criteria: Ambry Variant Classification Scheme 2023. Collection method: clinical testing. Allele origin: germline.
Comment: The p.E131D variant (also known as c.393G>T), located in coding exon 3 of the IGHMBP2 gene, results from a G to T substitution at nucleotide position 393. The glutamic acid at codon 131 is replaced by aspartic acid, an amino acid with highly similar properties. This amino acid position is not well conserved in available vertebrate species, and aspartic acid is the reference amino acid in other vertebrate species. In addition, this alteration is predicted to be tolerated by in silico analysis. Since supporting evidence is limited at this time, the clinical significance of this alteration remains unclear.

ARUP Laboratories, Molecular Genetics and Genomics, ARUP Laboratories
Classification: Uncertain significance. Last evaluated: 2022-04-05. Review status: criteria provided, single submitter. Criteria: ARUP Molecular Germline Variant Investigation Process 2021. Collection method: clinical testing. Allele origin: germline.
Comment: The IGHMBP2 c.393G>T; p.Glu131Asp variant (rs761440964), to our knowledge, is not reported in the medical literature but is reported as a variant of uncertain significance in ClinVar (Variation ID: 653194). This variant is found in the non-Finnish European population with an allele frequency of 0.007% (9/129,158 alleles) in the Genome Aggregation Database. The glutamic acid at codon 131 is moderately conserved, but computational analyses predict that this variant is neutral (REVEL: 0.082). Due to limited information, the clinical significance of the p.Glu131Asp variant is uncertain at this time.

Labcorp Genetics (formerly Invitae), Labcorp
Classification: Uncertain significance for Autosomal recessive distal spinal muscular atrophy 1; Charcot-Marie-Tooth disease axonal type 2S. Last evaluated: 2022-02-06. Review status: criteria provided, single submitter. Criteria: Invitae Variant Classification Sherloc (09022015). Collection method: clinical testing. Allele origin: germline.
Comment: This sequence change replaces glutamic acid, which is acidic and polar, with aspartic acid, which is acidic and polar, at codon 131 of the IGHMBP2 protein (p.Glu131Asp). This variant is present in population databases (rs761440964, gnomAD 0.006%). This variant has not been reported in the literature in individuals affected with IGHMBP2-related conditions. ClinVar contains an entry for this variant (Variation ID: 653194). Advanced modeling of protein sequence and biophysical properties (such as structural, functional, and spatial information, amino acid conservation, physicochemical variation, residue mobility, and thermodynamic stability) performed at Invitae indicates that this missense variant is not expected to disrupt IGHMBP2 protein function. In summary, the available evidence is currently insufficient to determine the role of this variant in disease. Therefore, it has been classified as a Variant of Uncertain Significance.

NM_002180.3(IGHMBP2):c.393G>T (p.Glu131Asp)

Gene: IGHMBP2 (immunoglobulin mu DNA binding protein 2; plus strand). Cytogenetic location: 11q13.3.
Variant type: single nucleotide variant.
Coding change: c.393G>T on transcript NM_002180.3 (MANE Select); coding-DNA position 393, G replaced by T.
Protein change: p.Glu131Asp; replaces glutamic acid 131 with aspartic acid.
Molecular consequence: missense variant.
Genome position (GRCh38, 1-based): chr11:68,908,281, G>T. VCF-style: chr11-68908281-G-T. GRCh37 (hg19) VCF-style: chr11-68675749-G-T.
Other names: short protein forms E131D.
Identifiers: ClinVar variation 653194 (VCV000653194.19), dbSNP rs761440964, ClinGen allele CA6153276.